The following is an entry in ClinVar:

ClinVar aggregate classification (germline): Likely benign. Review status: criteria provided, multiple submitters, no conflicts (2 of 4 stars). 2 submissions from 2 submitters: Likely benign (2). Last evaluated 2024-09-05.

Conditions:
Familial cancer of breast. Also called: BREAST CANCER, FAMILIAL; Hereditary breast cancer; hereditary breast carcinoma. Identifiers: Orphanet 227535, MedGen C0346153, MONDO:0016419, OMIM 114480. Disease mechanism: loss of function.
Fanconi anemia complementation group J. Also called: BRIP1-Related Fanconi Anemia. Identifiers: Orphanet 84, MedGen C1836860, MONDO:0012187, OMIM 609054.

Submissions (2):

Myriad Genetics, Inc.
Classification: Likely benign for Familial cancer of breast. Last evaluated: 2024-09-05. Review status: criteria provided, single submitter. Criteria: Myriad Autosomal Dominant, Autosomal Recessive and X-Linked Classification Criteria (2023). Collection method: clinical testing. Allele origin: unknown.
Comment: This variant is considered likely benign. This variant is intronic and is not expected to impact mRNA splicing.

Labcorp Genetics (formerly Invitae), Labcorp
Classification: Likely benign for Familial cancer of breast; Fanconi anemia complementation group J. Last evaluated: 2022-09-21. Review status: criteria provided, single submitter. Criteria: Invitae Variant Classification Sherloc (09022015). Collection method: clinical testing. Allele origin: germline.

NM_032043.3(BRIP1):c.2492+9A>C

Gene: BRIP1 (BRCA1 interacting DNA helicase 1; minus strand). Cytogenetic location: 17q23.2.
Variant type: single nucleotide variant.
Coding change: c.2492+9A>C on transcript NM_032043.3 (MANE Select); 9 bases into the intron after coding-DNA position 2492, A replaced by C.
Molecular consequence: intron variant.
Genome position (GRCh38, 1-based): chr17:61,715,942, T>G on the plus strand (A>C on the coding strand, the complement: BRIP1 is on the minus strand). VCF-style: chr17-61715942-T-G. GRCh37 (hg19) VCF-style: chr17-59793303-T-G.
Identifiers: ClinVar variation 1958467 (VCV001958467.6), dbSNP rs2544695694, ClinGen allele CA2580094454.